The following is an entry in ClinVar:

NM_000093.5(COL5A1):c.4256C>T (p.Pro1419Leu)

Gene: COL5A1 (collagen type V alpha 1 chain; plus strand). Cytogenetic location: 9q34.3.
Variant type: single nucleotide variant.
Coding change: c.4256C>T on transcript NM_000093.5 (MANE Select); coding-DNA position 4256, C replaced by T.
Protein change: p.Pro1419Leu; replaces proline 1419 with leucine.
Molecular consequence: missense variant.
Genome position (GRCh38, 1-based): chr9:134,818,681, C>T. VCF-style: chr9-134818681-C-T. GRCh37 (hg19) VCF-style: chr9-137710527-C-T.
Other names: c.4256C>T, p.Pro1419Leu (NM_001278074.1); short protein forms P1419L.
Identifiers: ClinVar variation 1461670 (VCV001461670.6), dbSNP rs2132864006, ClinGen allele CA375457168.

ClinVar aggregate classification (germline): Uncertain significance (1 of 4 stars; one submission).

Conditions:
Ehlers-Danlos syndrome, classic type, 1 (EDSCL1). Also called: EHLERS-DANLOS SYNDROME, GRAVIS TYPE; EHLERS-DANLOS SYNDROME, SEVERE CLASSIC TYPE; Ehlers-Danlos syndrome, type 1; Ehlers-Danlos Syndrome, Classic Type, COL5A1-Related; EDS I. Identifiers: MedGen C0268335, MONDO:0019567, OMIM 130000.

Allele frequency attached by ClinVar (database versions not stated): gnomAD exomes below 0.00001.
gnomAD v4.1: 1 of 1,609,204 alleles (0.000062%); highest among the groups gnomAD compares: African/African-American, 0.0013%; no homozygotes.

Submission:

Labcorp Genetics (formerly Invitae), Labcorp
Classification: Uncertain significance for Ehlers-Danlos syndrome, classic type, 1. Last evaluated: 2021-10-21. Review status: criteria provided, single submitter. Criteria: Invitae Variant Classification Sherloc (09022015). Collection method: clinical testing. Allele origin: germline.
Comment: In summary, the available evidence is currently insufficient to determine the role of this variant in disease. Therefore, it has been classified as a Variant of Uncertain Significance. Advanced modeling of protein sequence and biophysical properties (such as structural, functional, and spatial information, amino acid conservation, physicochemical variation, residue mobility, and thermodynamic stability) performed at Invitae indicates that this missense variant is not expected to disrupt COL5A1 protein function. This variant has not been reported in the literature in individuals affected with COL5A1-related conditions. This variant is not present in population databases (ExAC no frequency). This sequence change replaces proline with leucine at codon 1419 of the COL5A1 protein (p.Pro1419Leu). The proline residue is highly conserved and there is a moderate physicochemical difference between proline and leucine.